The following is an entry in ClinVar:

NM_006440.5(TXNRD2):c.694G>C (p.Glu232Gln)

Gene: TXNRD2 (thioredoxin reductase 2; minus strand). Cytogenetic location: 22q11.21.
Variant type: single nucleotide variant.
Coding change: c.694G>C on transcript NM_006440.5 (MANE Select); coding-DNA position 694, G replaced by C.
Protein change: p.Glu232Gln; replaces glutamic acid 232 with glutamine.
Molecular consequence: missense variant. On other transcripts: non-coding transcript variant (1).
Genome position (GRCh38, 1-based): chr22:19,898,119, C>G on the plus strand (G>C on the coding strand, the complement: TXNRD2 is on the minus strand). VCF-style: chr22-19898119-C-G. GRCh37 (hg19) VCF-style: chr22-19885642-C-G.
Other names: c.694G>C, p.Glu232Gln (NM_001282512.3); c.691G>C, p.Glu231Gln (NM_001352300.2); c.604G>C, p.Glu202Gln (NM_001352301.2); c.406G>C, p.Glu136Gln (NM_001352302.2); c.598G>C, p.Glu200Gln (NM_001352303.2); short protein forms E136Q, E200Q, E202Q, E231Q, E232Q.
Identifiers: ClinVar variation 2582187 (VCV002582187.1), dbSNP rs751310642, ClinGen allele CA10104006.

ClinVar aggregate classification (germline): Uncertain significance (1 of 4 stars; one submission).

Allele frequency attached by ClinVar (database versions not stated): gnomAD exomes below 0.00001; TOPMed below 0.00001; gnomAD 0.00001.
gnomAD v4.1: 4 of 1,562,718 alleles (0.00026%); highest among the groups gnomAD compares: Non-Finnish European, 0.00035%; no homozygotes.

Submission:

GeneDx
Classification: Uncertain significance. Last evaluated: 2023-03-29. Review status: criteria provided, single submitter. Criteria: GeneDx Variant Classification Process June 2021. Collection method: clinical testing. Allele origin: germline. Affected: yes.
Comment: Has not been previously published as pathogenic or benign to our knowledge; Not observed at significant frequency in large population cohorts (gnomAD); In silico analysis supports that this missense variant has a deleterious effect on protein structure/function